The following is an entry in ClinVar:

NM_022166.4(XYLT1):c.2734G>A (p.Gly912Arg)

Gene: XYLT1 (xylosyltransferase 1; minus strand). Cytogenetic location: 16p12.3.
Variant type: single nucleotide variant.
Coding change: c.2734G>A on transcript NM_022166.4 (MANE Select); coding-DNA position 2734, G replaced by A.
Protein change: p.Gly912Arg; replaces glycine 912 with arginine.
Molecular consequence: missense variant.
Genome position (GRCh38, 1-based): chr16:17,108,841, C>T on the plus strand (G>A on the coding strand, the complement: XYLT1 is on the minus strand). VCF-style: chr16-17108841-C-T. GRCh37 (hg19) VCF-style: chr16-17202698-C-T.
Other names: c.2734G>A (NM_022166.3); short protein forms G912R.
Identifiers: ClinVar variation 3708802 (VCV003708802.3).
Genomic context (GRCh38, chr16:17,108,841, plus strand): 5'-TCTGCATGACCGGGCAGGCTGTGGGGCCCGTGGCACAGATGTCCATGGCAGTCCACATCC[C>T]GCCCACCAACGAGTCCAGCCATCCCTCCAGCGCTGTGCCCGTGGAGGCTGCGTTCCTCCG-3'
Protein context (NP_071449.1, residues 902-922): LEGWLDSLVG[Gly912Arg]MWTAMDICAT

ClinVar aggregate classification (germline): Uncertain significance. Review status: criteria provided, multiple submitters, no conflicts (2 of 4 stars). 2 submissions from 2 submitters: Uncertain significance (2). Last evaluated 2026-02-11.

Conditions:
Desbuquois dysplasia 1 (DBQD1). Also called: DESBUQUOIS DYSPLASIA 1, KIM VARIANT; MICROMELIC DWARFISM WITH VERTEBRAL AND METAPHYSEAL ABNORMALITIES AND ADVANCED CARPOTARSAL OSSIFICATION. Identifiers: Orphanet 1425, MedGen C4012146, MONDO:0009629, OMIM 251450.

gnomAD v4.1: 33 of 1,612,790 alleles (0.002%); highest among the groups gnomAD compares: South Asian, 0.0033%; no homozygotes.

Submissions (2):

GeneDx
Classification: Uncertain significance. Last evaluated: 2026-02-11. Review status: criteria provided, single submitter. Criteria: GeneDx Variant Classification Process June 2021. Collection method: clinical testing. Allele origin: germline.
Comment: Not observed at significant frequency in large population cohorts (gnomAD); In silico analysis supports that this missense variant does not alter protein structure/function; Has not been previously published as pathogenic or benign to our knowledge

Labcorp Genetics (formerly Invitae), Labcorp
Classification: Uncertain significance for Desbuquois dysplasia 1. Last evaluated: 2025-01-01. Review status: criteria provided, single submitter. Criteria: Invitae Variant Classification Sherloc (09022015). Collection method: clinical testing. Allele origin: germline.
Comment: This sequence change replaces glycine, which is neutral and non-polar, with arginine, which is basic and polar, at codon 912 of the XYLT1 protein (p.Gly912Arg). This variant is present in population databases (rs375891355, gnomAD 0.007%). This variant has not been reported in the literature in individuals affected with XYLT1-related conditions. Invitae Evidence Modeling of protein sequence and biophysical properties (such as structural, functional, and spatial information, amino acid conservation, physicochemical variation, residue mobility, and thermodynamic stability) indicates that this missense variant is not expected to disrupt XYLT1 protein function with a negative predictive value of 80%. In summary, the available evidence is currently insufficient to determine the role of this variant in disease. Therefore, it has been classified as a Variant of Uncertain Significance.